The following is an entry in ClinVar:

ClinVar aggregate classification (germline): Uncertain significance (1 of 4 stars; one submission).

Conditions:
MBD6-related disorder. Also called: MBD6-related condition.

gnomAD v4.1: 1 of 1,610,398 alleles (0.000062%); highest among the groups gnomAD compares: Non-Finnish European, 0.000085%; no homozygotes.

Submission:

PreventionGenetics, part of Exact Sciences
Classification: Uncertain significance for MBD6-related condition. Last evaluated: 2024-10-09. Review status: criteria provided, single submitter. Criteria: ACMG Guidelines, 2015. Collection method: clinical testing. Allele origin: germline.
Comment: The MBD6 c.1901C>G variant is predicted to result in the amino acid substitution p.Thr634Arg. To our knowledge, this variant has not been reported in the literature or in a large population database (gnomAD), indicating this variant is rare. At this time, the clinical significance of this variant is uncertain due to the absence of conclusive functional and genetic evidence.

NM_052897.4(MBD6):c.1901C>G (p.Thr634Arg)

Gene: MBD6 (methyl-CpG binding domain protein 6; plus strand). Cytogenetic location: 12q13.3.
Variant type: single nucleotide variant.
Coding change: c.1901C>G on transcript NM_052897.4 (MANE Select); coding-DNA position 1901, C replaced by G.
Protein change: p.Thr634Arg; replaces threonine 634 with arginine.
Molecular consequence: missense variant.
Genome position (GRCh38, 1-based): chr12:57,527,046, C>G. VCF-style: chr12-57527046-C-G. GRCh37 (hg19) VCF-style: chr12-57920829-C-G.
Other names: short protein forms T634R.
Identifiers: ClinVar variation 3357958 (VCV003357958.2).